The following is an entry in ClinVar:

NM_153704.6(TMEM67):c.577-6A>G

Gene: TMEM67 (transmembrane protein 67; plus strand). Cytogenetic location: 8q22.1.
Variant type: single nucleotide variant.
Coding change: c.577-6A>G on transcript NM_153704.6 (MANE Select); 6 bases into the intron before coding-DNA position 577, A replaced by G.
Molecular consequence: intron variant.
Genome position (GRCh38, 1-based): chr8:93,765,566, A>G. VCF-style: chr8-93765566-A-G. GRCh37 (hg19) VCF-style: chr8-94777794-A-G.
Other names: c.577-6A>G (NM_153704.5); c.334-6A>G (NM_001142301.1).
Identifiers: ClinVar variation 1629434 (VCV001629434.13), dbSNP rs191516556, ClinGen allele CA4807713.
Genomic context (GRCh38, chr8:93,765,566, plus strand): 5'-TATTTTTAATTCAGTTGCTTATGCCTTTTCATAAGCTTCTATTTTTTCCCTCATTTATTT[A>G]TGAAGACAGGGGGATTATGTTTCAGCAGCACAGGGAATTTTCCTCTACGTAGAATTTCAG-3'

ClinVar aggregate classification (germline): Likely benign. Review status: criteria provided, multiple submitters, no conflicts (2 of 4 stars). 5 submissions from 5 submitters: Likely benign (4). 1 of the submissions does not count toward it. Last evaluated 2026-01-06.

Conditions:
Meckel-Gruber syndrome. Also called: DYSENCEPHALIA SPLANCHNOCYSTICA; GRUBER SYNDROME; Dysencephalia splachnocystica. Identifiers: Orphanet 564, MedGen C0265215, MONDO:0018921.
Joubert syndrome. Also called: Familial aplasia of the vermis; JOUBERT-BOLTSHAUSER SYNDROME. Identifiers: Orphanet 475, MedGen C5979921, MONDO:0018772.
RHYNS syndrome. Also called: RETINITIS PIGMENTOSA SYNDROME; RETINITIS PIGMENTOSA, HYPOPITUITARISM, NEPHRONOPHTHISIS, AND MILD SKELETAL DYSPLASIA. Identifiers: Orphanet 140976, MedGen C1865794, MONDO:0011202, OMIM 602152.
Nephronophthisis 11 (NPHP11). Identifiers: Orphanet 84081, MedGen C3150796, MONDO:0013302, OMIM 613550.
Joubert syndrome 6 (JBTS6). Identifiers: Orphanet 475, MedGen C1853153, MONDO:0012539, OMIM 610688.
Bardet-Biedl syndrome 14 (BBS14). Identifiers: Orphanet 110, MedGen C2673874, MONDO:0014442, OMIM 615991.
COACH syndrome 1. Identifiers: Orphanet 1454, MedGen C5435651, MONDO:0800103, OMIM 216360, MONDO:0008996.
Meckel syndrome, type 3 (MKS3). Also called: MECKEL-GRUBER SYNDROME, TYPE 3. Identifiers: Orphanet 564, MedGen C1846357, MONDO:0011821, OMIM 607361.
TMEM67-related disorder. Also called: TMEM67-related disorders; TMEM67-related condition. Identifiers: MedGen CN239423.
Inborn genetic diseases. Identifiers: MedGen C0950123, MeSH D030342.

Allele frequency attached by ClinVar (database versions not stated): gnomAD exomes 0.00005 and 0.00014; ExAC 0.00014; 1000 Genomes Project 30x 0.00016; 1000 Genomes Project 0.00020; gnomAD 0.00038 and 0.00041; TOPMed 0.00044; ESP Exome Variant Server 0.00046.
gnomAD v4.1: 138 of 1,611,142 alleles (0.0086%); highest among the groups gnomAD compares: African/African-American, 0.13%; no homozygotes.

Submissions (5):

Labcorp Genetics (formerly Invitae), Labcorp
Classification: Likely benign for Joubert syndrome; Meckel-Gruber syndrome. Last evaluated: 2026-01-06. Review status: criteria provided, single submitter. Criteria: Invitae Variant Classification Sherloc (09022015). Collection method: clinical testing. Allele origin: germline.

Blueprint Genetics
Classification: Likely benign. Last evaluated: 2024-06-27. Review status: criteria provided, single submitter. Criteria: ACMG Guidelines, 2015. Collection method: clinical testing. Allele origin: germline.

Ambry Genetics
Classification: Likely benign for Inborn genetic diseases. Last evaluated: 2022-03-28. Review status: criteria provided, single submitter. Criteria: Ambry Variant Classification Scheme 2023. Collection method: clinical testing. Allele origin: germline.

Fulgent Genetics
Classification: Likely benign for COACH syndrome 1; RHYNS syndrome; Meckel syndrome, type 3; Joubert syndrome 6; Nephronophthisis 11; Bardet-Biedl syndrome 14. Last evaluated: 2021-07-22. Review status: criteria provided, single submitter. Criteria: ACMG Guidelines, 2015. Collection method: clinical testing. Allele origin: unknown.

PreventionGenetics, part of Exact Sciences
Classification: Likely benign for TMEM67-related condition. Last evaluated: 2019-03-18. Review status: no assertion criteria provided. Collection method: clinical testing. Allele origin: germline. Not counted in ClinVar's aggregate classification.
Comment: This variant is classified as likely benign based on ACMG/AMP sequence variant interpretation guidelines (Richards et al. 2015 PMID: 25741868, with internal and published modifications).